The following is an entry in ClinVar:

ClinVar aggregate classification (germline): Pathogenic (1 of 4 stars; one submission).

Conditions:
Hereditary spastic paraplegia 49 (HSAN9). Also called: NEUROPATHY, HEREDITARY SENSORY AND AUTONOMIC, TYPE IX, WITH DEVELOPMENTAL DELAY; Spastic paraplegia 49, autosomal recessive; TECPR2-Related Hereditary Sensory and Autonomic Neuropathy with Intellectual Disability. Identifiers: Orphanet 320385, MedGen C5190860, MONDO:0014016, OMIM 615031.

Submission:

Labcorp Genetics (formerly Invitae), Labcorp
Classification: Pathogenic for Hereditary spastic paraplegia 49. Last evaluated: 2022-10-05. Review status: criteria provided, single submitter. Criteria: Invitae Variant Classification Sherloc (09022015). Collection method: clinical testing. Allele origin: germline.
Comment: This variant is a gross deletion of the genomic region encompassing exon(s) 7 of the TECPR2 gene. This deletion is out-of-frame, and is expected to create a premature termination codon and result in an absent or disrupted protein product. Loss-of-function variants in TECPR2 are known to be pathogenic (PMID: 23176824, 25590979). This variant has not been reported in the literature in individuals affected with TECPR2-related conditions. For these reasons, this variant has been classified as Pathogenic.

Literature cited by the submitters: PubMed 23176824; PubMed 25590979.

NC_000014.8:g.(?_102894577)_(102894729_?)del

Gene: TECPR2 (tectonin beta-propeller repeat containing 2; plus strand). Cytogenetic location: 14q32.31.
Variant type: Deletion.
Identifiers: ClinVar variation 1451298 (VCV001451298.6).